The following is an entry in ClinVar:

NM_005235.3(ERBB4):c.2136T>G (p.Ile712Met)

Gene: ERBB4 (erb-b2 receptor tyrosine kinase 4; minus strand). Cytogenetic location: 2q34.
Variant type: single nucleotide variant.
Coding change: c.2136T>G on transcript NM_005235.3 (MANE Select); coding-DNA position 2136, T replaced by G.
Protein change: p.Ile712Met; replaces isoleucine 712 with methionine.
Molecular consequence: missense variant.
Genome position (GRCh38, 1-based): chr2:211,623,988, A>C on the plus strand (T>G on the coding strand, the complement: ERBB4 is on the minus strand). VCF-style: chr2-211623988-A-C. GRCh37 (hg19) VCF-style: chr2-212488713-A-C.
Other names: c.2136T>G, p.Ile712Met (NM_001042599.2); short protein forms I712M.
Identifiers: ClinVar variation 1350505 (VCV001350505.6), dbSNP rs777888859, ClinGen allele CA2087836.

ClinVar aggregate classification (germline): Uncertain significance (1 of 4 stars; one submission).

Allele frequency attached by ClinVar (database versions not stated): gnomAD exomes below 0.00001; ExAC 0.00001; gnomAD 0.00001.
gnomAD v4.1: 3 of 1,613,952 alleles (0.00019%); highest among the groups gnomAD compares: East Asian, 0.0067%; no homozygotes.

Submission:

Labcorp Genetics (formerly Invitae), Labcorp
Classification: Uncertain significance. Last evaluated: 2023-03-30. Review status: criteria provided, single submitter. Criteria: Invitae Variant Classification Sherloc (09022015). Collection method: clinical testing. Allele origin: germline.
Comment: ClinVar contains an entry for this variant (Variation ID: 1350505). Advanced modeling of protein sequence and biophysical properties (such as structural, functional, and spatial information, amino acid conservation, physicochemical variation, residue mobility, and thermodynamic stability) performed at Invitae indicates that this missense variant is not expected to disrupt ERBB4 protein function. Experimental studies have shown that this missense change affects ERBB4 function (PMID: 32065797). In summary, the available evidence is currently insufficient to determine the role of this variant in disease. Therefore, it has been classified as a Variant of Uncertain Significance. This variant is present in population databases (rs777888859, gnomAD 0.02%). This sequence change replaces isoleucine, which is neutral and non-polar, with methionine, which is neutral and non-polar, at codon 712 of the ERBB4 protein (p.Ile712Met). This missense change has been observed in individual(s) with ERBB4-related conditions (PMID: 34720994).

Literature cited by the submitters: PubMed 32065797; PubMed 34720994.